The following is an entry in ClinVar:

ClinVar aggregate classification (germline): Uncertain significance. Review status: criteria provided, multiple submitters, no conflicts (2 of 4 stars). 2 submissions from 2 submitters: Uncertain significance (2). Last evaluated 2026-01-23.

Conditions:
Proteasome-associated autoinflammatory syndrome 1 (PRAAS1). Also called: AUTOINFLAMMATION, LIPODYSTROPHY, AND DERMATOSIS SYNDROME; NAKAJO-NISHIMURA SYNDROME; CHRONIC ATYPICAL NEUTROPHILIC DERMATOSIS WITH LIPODYSTROPHY AND ELEVATED TEMPERATURE SYNDROME; JMP SYNDROME; JOINT CONTRACTURES, MUSCULAR ATROPHY, MICROCYTIC ANEMIA, AND PANNICULITIS-INDUCED LIPODYSTROPHY; Nakajo syndrome. Identifiers: Orphanet 2615, Orphanet 324977, Orphanet 324999, Orphanet 325004, MedGen C4746851, MONDO:0054698, OMIM 256040.

Allele frequency attached by ClinVar (database versions not stated): ExAC 0.00003; TOPMed 0.00005; gnomAD 0.00007; ESP Exome Variant Server 0.00008.

Submissions (2):

Women's Health and Genetics/Laboratory Corporation of America, LabCorp
Classification: Uncertain significance. Last evaluated: 2026-01-23. Review status: criteria provided, single submitter. Criteria: LabCorp Variant Classification Summary - May 2015. Collection method: clinical testing. Allele origin: germline.

Labcorp Genetics (formerly Invitae), Labcorp
Classification: Uncertain significance for Proteosome-associated autoinflammatory syndrome. Last evaluated: 2022-08-19. Review status: criteria provided, single submitter. Criteria: Invitae Variant Classification Sherloc (09022015). Collection method: clinical testing. Allele origin: germline.
Comment: This sequence change replaces arginine, which is basic and polar, with histidine, which is basic and polar, at codon 129 of the PSMB8 protein (p.Arg129His). This variant is present in population databases (rs369078226, gnomAD 0.02%). This variant has not been reported in the literature in individuals affected with PSMB8-related conditions. ClinVar contains an entry for this variant (Variation ID: 835890). Algorithms developed to predict the effect of missense changes on protein structure and function are either unavailable or do not agree on the potential impact of this missense change (SIFT: "Deleterious"; PolyPhen-2: "Probably Damaging"; Align-GVGD: "Class C0"). In summary, the available evidence is currently insufficient to determine the role of this variant in disease. Therefore, it has been classified as a Variant of Uncertain Significance.

NM_148919.4(PSMB8):c.386G>A (p.Arg129His)

Gene: PSMB8 (proteasome 20S subunit beta 8; minus strand). Cytogenetic location: 6p21.32.
Variant type: single nucleotide variant.
Coding change: c.386G>A on transcript NM_148919.4 (MANE Select); coding-DNA position 386, G replaced by A.
Protein change: p.Arg129His; replaces arginine 129 with histidine.
Molecular consequence: missense variant.
Genome position (GRCh38, 1-based): chr6:32,842,693, C>T on the plus strand (G>A on the coding strand, the complement: PSMB8 is on the minus strand). VCF-style: chr6-32842693-C-T. GRCh37 (hg19) VCF-style: chr6-32810470-C-T.
Other names: c.374G>A, p.Arg125His (NM_004159.5); short protein forms R125H, R129H.
Identifiers: ClinVar variation 835890 (VCV000835890.8), dbSNP rs369078226, ClinGen allele CA3746401.